The following is an entry in ClinVar:

ClinVar aggregate classification (germline): Pathogenic (1 of 4 stars; one submission).

Submission:

GeneDx
Classification: Pathogenic. Last evaluated: 2019-02-22. Review status: criteria provided, single submitter. Criteria: GeneDx Variant Classification (06012015). Collection method: clinical testing. Allele origin: germline. Affected: yes.
Comment: The c.3623delG variant in the CHD8 gene has not been reported previously as a pathogenic variant nor as a benign variant, to our knowledge. The c.3623delG variant causes a frameshift starting with codon Cysteine 1208, changes this amino acid to a Leucine residue, and creates a premature Stop codon at position 45 of the new reading frame, denoted p.Cys1208LeufsX45. This variant is predicted to cause loss of normal protein function either through protein truncation or nonsense-mediated mRNA decay. The c.3623delG variant is not observed in large population cohorts (Lek et al., 2016). We interpret c.3623delG as a pathogenic variant.

NM_001170629.2(CHD8):c.3623del (p.Cys1208fs)

Gene: CHD8 (chromodomain helicase DNA binding protein 8; minus strand). Cytogenetic location: 14q11.2.
Variant type: Deletion.
Coding change: c.3623del on transcript NM_001170629.2 (MANE Select); coding-DNA position 3623, one base deleted (G; older notation c.3623delG).
Protein change: p.Cys1208fs; shifts the reading frame from cysteine 1208.
Molecular consequence: frameshift variant.
Genome position (GRCh38, 1-based): chr14:21,403,108, C deleted on the plus strand (G on the coding strand, the reverse complement: CHD8 is on the minus strand). VCF-style (leftmost placement, unchanged base first): chr14-21403107-AC-A. GRCh37 (hg19) VCF-style: chr14-21871266-AC-A.
Other names: c.2786del, p.Cys929fs (NM_020920.4); short protein forms C1208fs, C929fs.
Identifiers: ClinVar variation 818004 (VCV000818004.1), dbSNP rs1594344154, ClinGen allele CA915948817.